The following is an entry in ClinVar:

NM_003072.5(SMARCA4):c.1007C>T (p.Pro336Leu)

Gene: SMARCA4 (SWI/SNF related BAF chromatin remodeling complex subunit ATPase 4; plus strand). Cytogenetic location: 19p13.2.
Variant type: single nucleotide variant.
Coding change: c.1007C>T on transcript NM_003072.5 (MANE Select); coding-DNA position 1007, C replaced by T.
Protein change: p.Pro336Leu; replaces proline 336 with leucine.
Molecular consequence: missense variant. On other transcripts: non-coding transcript variant (1).
Genome position (GRCh38, 1-based): chr19:10,987,813, C>T. VCF-style: chr19-10987813-C-T. GRCh37 (hg19) VCF-style: chr19-11098489-C-T.
Other names: c.1007C>T, p.Pro336Leu (NM_001128844.3, NM_001128845.2, NM_001128846.2 and 5 more transcripts); short protein forms P336L.
Identifiers: ClinVar variation 220616 (VCV000220616.38), dbSNP rs765058736, ClinGen allele CA349453.

ClinVar aggregate classification (germline): Conflicting classifications of pathogenicity. Review status: criteria provided, conflicting classifications (1 of 4 stars). 11 submissions from 11 submitters: Uncertain significance (9); Likely benign (1). 1 of the submissions does not count toward it. Last evaluated 2026-07-06.

Conditions:
SMARCA4-related disorder. Also called: SMARCA4-related condition.
Hereditary cancer-predisposing syndrome. Also called: Hereditary Cancer Syndrome; Tumor predisposition; Hereditary neoplastic syndrome; Neoplastic Syndromes, Hereditary. Identifiers: Orphanet 140162, MedGen C0027672, MeSH D009386, MONDO:0015356.
Intellectual disability, autosomal dominant 16 (CSS4). Also called: COFFIN-SIRIS SYNDROME 4. Identifiers: Orphanet 1465, MedGen C3553249, MONDO:0013821, OMIM 614609.
Rhabdoid tumor predisposition syndrome 2 (RTPS2). Identifiers: Orphanet 231108, Orphanet 69077, MedGen C2750074, MONDO:0013224, OMIM 613325.

Allele frequency attached by ClinVar (database versions not stated): gnomAD 0.00001; gnomAD exomes 0.00002 and 0.00003; ExAC 0.00003; TOPMed 0.00001.
gnomAD v4.1: 47 of 1,604,936 alleles (0.0029%); highest among the groups gnomAD compares: Non-Finnish European, 0.0038%; no homozygotes.

Submissions (11):

Myriad Genetics, Inc.
Classification: Likely benign for Rhabdoid tumor predisposition syndrome 2. Last evaluated: 2026-07-06. Review status: criteria provided, single submitter. Criteria: Myriad Autosomal Dominant, Autosomal Recessive and X-Linked Classification Criteria (2023). Collection method: clinical testing. Allele origin: unknown.
Comment: This variant is considered likely benign. This variant has been observed at a population frequency that is significantly greater than expected given the associated disease prevalence and penetrance.

PreventionGenetics, part of Exact Sciences
Classification: Uncertain significance for SMARCA4-related condition. Last evaluated: 2026-06-26. Review status: criteria provided, single submitter. Criteria: ACMG Guidelines, 2015. Collection method: clinical testing. Allele origin: germline.
Comment: The SMARCA4 c.1007C>T variant is predicted to result in the amino acid substitution p.Pro336Leu. To our knowledge, this variant has not been reported in the literature. This variant is reported in 0.0042% of alleles in individuals of European (Non-Finnish) descent in gnomAD. This variant has an interpretation of uncertain significance in ClinVar (Variation ID: 220616). At this time, the clinical significance of this variant is uncertain due to the absence of conclusive functional and genetic evidence.

Labcorp Genetics (formerly Invitae), Labcorp
Classification: Uncertain significance for Rhabdoid tumor predisposition syndrome 2. Last evaluated: 2026-01-21. Review status: criteria provided, single submitter. Criteria: Invitae Variant Classification Sherloc (09022015). Collection method: clinical testing. Allele origin: germline.
Comment: This sequence change replaces proline, which is neutral and non-polar, with leucine, which is neutral and non-polar, at codon 336 of the SMARCA4 protein (p.Pro336Leu). This variant is present in population databases (rs765058736, gnomAD 0.004%). This variant has not been reported in the literature in individuals affected with SMARCA4-related conditions. ClinVar contains an entry for this variant (Variation ID: 220616). Invitae Evidence Modeling of protein sequence and biophysical properties (such as structural, functional, and spatial information, amino acid conservation, physicochemical variation, residue mobility, and thermodynamic stability) indicates that this missense variant is not expected to disrupt SMARCA4 protein function with a negative predictive value of 80%. In summary, the available evidence is currently insufficient to determine the role of this variant in disease. Therefore, it has been classified as a Variant of Uncertain Significance.

Ambry Genetics
Classification: Uncertain significance for Hereditary cancer-predisposing syndrome. Last evaluated: 2025-09-29. Review status: criteria provided, single submitter. Criteria: Ambry Variant Classification Scheme 2023. Collection method: clinical testing. Allele origin: germline.
Comment: The p.P336L variant (also known as c.1007C>T), located in coding exon 5 of the SMARCA4 gene, results from a C to T substitution at nucleotide position 1007. The proline at codon 336 is replaced by leucine, an amino acid with similar properties. This variant has been detected in multiple individuals with no reported features of Coffin-Siris syndrome (Ambry internal data). This amino acid position is highly conserved in available vertebrate species. In addition, the in silico prediction for this alteration is inconclusive. Based on the supporting evidence, the association of this alteration with rhabdoid tumor predisposition syndrome is unknown; however, the association of this alteration with Coffin-Siris syndrome is unlikely.

Quest Diagnostics Nichols Institute San Juan Capistrano
Classification: Uncertain significance. Last evaluated: 2025-03-25. Review status: criteria provided, single submitter. Criteria: Quest Diagnostics criteria. Collection method: clinical testing. Allele origin: unknown.
Comment: The SMARCA4 c.1007C>T (p.Pro336Leu) variant has not been reported in individuals with SMARCA4-related conditions in the published literature. The frequency of this variant in the general population (Genome Aggregation Database) is uninformative in the assessment of its pathogenicity. Analysis of this variant using bioinformatics tools for the prediction of the effect of amino acid changes on protein structure and function yielded conflicting predictions that this variant is deleterious or benign. Based on the available information, we are unable to determine the clinical significance of this variant.

CeGaT Center for Human Genetics Tuebingen
Classification: Uncertain significance. Last evaluated: 2024-11-01. Review status: criteria provided, single submitter. Criteria: CeGaT Center For Human Genetics Tuebingen Variant Classification Criteria Version 2. Collection method: clinical testing. Allele origin: germline. Affected: yes. Observed: 1 variant allele.

Baylor Genetics
Classification: Uncertain significance for Rhabdoid tumor predisposition syndrome 2. Last evaluated: 2023-08-31. Review status: criteria provided, single submitter. Criteria: ACMG Guidelines, 2015. Collection method: clinical testing. Allele origin: unknown.

Blueprint Genetics
Classification: Uncertain significance. Last evaluated: 2023-08-01. Review status: criteria provided, single submitter. Criteria: ACMG Guidelines, 2015. Collection method: clinical testing. Allele origin: germline.

St. Jude Molecular Pathology, St. Jude Children's Research Hospital
Classification: Uncertain significance for Rhabdoid tumor predisposition syndrome 2. Last evaluated: 2022-07-26. Review status: criteria provided, single submitter. Criteria: St. Jude Assertion Criteria 2020. Collection method: clinical testing. Allele origin: germline.
Comment: The SMARCA4 c.1007C>T (p.Pro336Leu) missense change has a maximum subpopulation frequency of 0.0042% in gnomAD v2.1.1. The in silico tool REVEL is inconclusive about a pathogenic or benign effect of this variant on protein function, and to our knowledge functional studies have not been performed. To our knowledge, this variant has not been reported in individuals with rhabdoid tumor predisposition syndrome. In summary, the evidence currently available is insufficient to determine the clinical significance of this variant. It has therefore been classified as of uncertain significance.

Genome-Nilou Lab
Classification: Uncertain significance for Intellectual disability, autosomal dominant 16. Last evaluated: 2021-07-15. Review status: criteria provided, single submitter. Criteria: ACMG Guidelines, 2015. Collection method: clinical testing. Allele origin: germline. Affected: no.

Department of Pathology and Laboratory Medicine, Sinai Health System
Classification: Uncertain significance. Review status: no assertion criteria provided. Collection method: clinical testing. Allele origin: unknown. Affected: yes. Study: The Canadian Open Genetics Repository (COGR). Not counted in ClinVar's aggregate classification.
Comment: The SMARCA4 p.Pro336Leu variant was not identified in the literature nor was it identified in Cosmic. The variant was identified in dbSNP (ID: rs765058736), ClinVar (classified as uncertain significance by Ambry Genetics and Invitae), and LOVD 3.0 (effect unknown). The variant was identified in control databases in 4 of 211586 chromosomes at a frequency of 0.0000189 (Genome Aggregation Database March 6, 2019, v2.1.1). The variant was observed in the European (non-Finnish) population in 4 of 88304 chromosomes (freq: 0.000045), but was not observed in the African, Latino, Ashkenazi Jewish, East Asian, European (Finnish), Other, or South Asian populations. The p.Pro336 residue is conserved across mammals and other organisms, and computational analyses (PolyPhen-2, SIFT, AlignGVGD, BLOSUM, MutationTaster) suggest that the variant may impact the protein; however, this information is not predictive enough to assume pathogenicity. The variant occurs outside of the splicing consensus sequence and in silico or computational prediction software programs (SpliceSiteFinder, MaxEntScan, NNSPLICE, GeneSplicer) do not predict a difference in splicing. In summary, based on the above information the clinical significance of this variant cannot be determined with certainty at this time. This variant is classified as a variant of uncertain significance.